The following is an entry in ClinVar:

NM_170707.4(LMNA):c.1610A>C (p.Glu537Ala)

Gene: LMNA (lamin A/C; plus strand). Cytogenetic location: 1q22.
Variant type: single nucleotide variant.
Coding change: c.1610A>C on transcript NM_170707.4 (MANE Select); coding-DNA position 1610, A replaced by C.
Protein change: p.Glu537Ala; replaces glutamic acid 537 with alanine.
Molecular consequence: missense variant. On other transcripts: intron variant (1).
Genome position (GRCh38, 1-based): chr1:156,137,655, A>C. VCF-style: chr1-156137655-A-C. GRCh37 (hg19) VCF-style: chr1-156107446-A-C.
Other names: c.1274A>C, p.Glu425Ala (NM_001257374.3, NM_001406989.1, NM_001406998.1); c.1367A>C, p.Glu456Ala (NM_001282624.2, NM_001406986.1, NM_001406987.1); c.1610A>C, p.Glu537Ala (NM_001282625.2, NM_001282626.2, NM_001406983.1 and 5 more transcripts); c.1313A>C, p.Glu438Ala (NM_001406988.1); c.1052A>C, p.Glu351Ala (NM_001406990.1, NM_001406993.1, NM_001406995.1 and 4 more transcripts); c.986A>C, p.Glu329Ala (NM_001406994.1, NM_001406999.1, NM_001407000.1 and 1 more transcripts); c.1608+423A>C (NM_170708.4); short protein forms E329A, E351A, E425A, E438A, E456A, E537A.
Identifiers: ClinVar variation 2796737 (VCV002796737.4), dbSNP rs2528018219, ClinGen allele CA342825293.
Genomic context (GRCh38, chr1:156,137,655, plus strand): 5'-CATGCTGTACAACCCTTCCCTGGCCCTGACCCTTGGACCTGGTTCCATGTCCCCACCAGG[A>C]AGTGGCCATGCGCAAGCTGGTGCGCTCAGTGACTGTGGTTGAGGACGACGAGGATGAGGA-3'
Protein context (NP_733821.1, residues 527-547): RTALINSTGE[Glu537Ala]VAMRKLVRSV

ClinVar aggregate classification (germline): Uncertain significance. Review status: criteria provided, multiple submitters, no conflicts (2 of 4 stars). 2 submissions from 2 submitters: Uncertain significance (2). Last evaluated 2026-03-25.

Conditions:
Charcot-Marie-Tooth disease type 2. Also called: Charcot-Marie-Tooth type 2. Identifiers: Orphanet 64746, MedGen C0270914, MONDO:0018993.

Allele frequency attached by ClinVar (database versions not stated): gnomAD exomes below 0.00001.
gnomAD v4.1: 1 of 1,553,118 alleles (0.000064%); highest among the groups gnomAD compares: Admixed American, 0.002%; no homozygotes.

Submissions (2):

GeneDx
Classification: Uncertain significance. Last evaluated: 2026-03-25. Review status: criteria provided, single submitter. Criteria: GeneDx Variant Classification Process June 2021. Collection method: clinical testing. Allele origin: germline.
Comment: Not observed at significant frequency in large population cohorts (gnomAD); In silico analysis supports that this missense variant has a deleterious effect on protein structure/function; In silico analysis suggests this variant may impact gene splicing. In the absence of RNA/functional studies, the actual effect of this sequence change is unknown.; In vitro assay demonstrated a mild functional effect (PMID: 23243001); This variant is associated with the following publications: (PMID: 10939567, 23243001)

Labcorp Genetics (formerly Invitae), Labcorp
Classification: Uncertain significance for Charcot-Marie-Tooth disease type 2. Last evaluated: 2025-12-03. Review status: criteria provided, single submitter. Criteria: Invitae Variant Classification Sherloc (09022015). Collection method: clinical testing. Allele origin: germline.
Comment: This sequence change replaces glutamic acid, which is acidic and polar, with alanine, which is neutral and non-polar, at codon 537 of the LMNA protein (p.Glu537Ala). This variant is not present in population databases (gnomAD no frequency). This variant has not been reported in the literature in individuals affected with LMNA-related conditions. ClinVar contains an entry for this variant (Variation ID: 2796737). An algorithm developed to predict the effect of missense changes on protein structure and function (PolyPhen-2) suggests that this variant is likely to be disruptive. Experimental studies have shown that this missense change affects LMNA function (PMID: 23243001). In summary, the available evidence is currently insufficient to determine the role of this variant in disease. Therefore, it has been classified as a Variant of Uncertain Significance.

Literature cited by the submitters: PubMed 23243001 (cited by Labcorp Genetics (formerly Invitae), Labcorp).